The following is an entry in ClinVar:

ClinVar aggregate classification (germline): Benign/Likely benign. Review status: criteria provided, multiple submitters, no conflicts (2 of 4 stars). 3 submissions from 3 submitters: Benign (1); Likely benign (1). 1 of the submissions does not count toward it. Last evaluated 2024-11-26.

Conditions:
BLTP1-related disorder. Also called: BLTP1-related condition.

Allele frequency attached by ClinVar (database versions not stated): gnomAD 0.03884 and 0.04064; ESP Exome Variant Server 0.03937; gnomAD exomes 0.04097; ExAC 0.04164; TOPMed 0.04276; 1000 Genomes Project 30x 0.06246; 1000 Genomes Project 0.06490.
gnomAD v4.1: 60,991 of 1,613,632 alleles (3.8%); highest among the groups gnomAD compares: East Asian, 13%; 1,596 homozygotes.

Submissions (3):

Blueprint Genetics
Classification: Likely benign. Last evaluated: 2024-11-26. Review status: criteria provided, single submitter. Criteria: ACMG Guidelines, 2015. Collection method: clinical testing. Allele origin: germline.

GeneDx
Classification: Benign. Last evaluated: 2021-05-04. Review status: criteria provided, single submitter. Criteria: GeneDx Variant Classification Process June 2021. Collection method: clinical testing. Allele origin: germline. Affected: yes.

PreventionGenetics, part of Exact Sciences
Classification: Benign for BLTP1-related condition. Last evaluated: 2019-03-19. Review status: no assertion criteria provided. Collection method: clinical testing. Allele origin: germline. Not counted in ClinVar's aggregate classification.
Comment: This variant is classified as benign based on ACMG/AMP sequence variant interpretation guidelines (Richards et al. 2015 PMID: 25741868, with internal and published modifications).

NM_001384125.1(BLTP1):c.13318A>G (p.Thr4440Ala)

Gene: BLTP1 (bridge-like lipid transfer protein family member 1; plus strand). Cytogenetic location: 4q27.
Variant type: single nucleotide variant.
Coding change: c.13318A>G on transcript NM_001384125.1 (MANE Select); coding-DNA position 13318, A replaced by G.
Protein change: p.Thr4440Ala; replaces threonine 4440 with alanine.
Molecular consequence: missense variant.
Genome position (GRCh38, 1-based): chr4:122,347,704, A>G. VCF-style: chr4-122347704-A-G. GRCh37 (hg19) VCF-style: chr4-123268859-A-G.
Other names: c.13054A>G, p.Thr4352Ala (NM_015312.4); short protein forms T4352A, T4440A.
Identifiers: ClinVar variation 1244782 (VCV001244782.6), dbSNP rs2306369, ClinGen allele CA3068133.